The following is an entry in ClinVar:

NM_018124.4(RFWD3):c.475C>T (p.Arg159Trp)

Gene: RFWD3 (ring finger and WD repeat domain 3; minus strand). Cytogenetic location: 16q23.1.
Variant type: single nucleotide variant.
Coding change: c.475C>T on transcript NM_018124.4 (MANE Select); coding-DNA position 475, C replaced by T.
Protein change: p.Arg159Trp; replaces arginine 159 with tryptophan.
Molecular consequence: missense variant. On other transcripts: 5 prime UTR variant (4), intron variant (1).
Genome position (GRCh38, 1-based): chr16:74,660,975, G>A on the plus strand (C>T on the coding strand, the complement: RFWD3 is on the minus strand). VCF-style: chr16-74660975-G-A. GRCh37 (hg19) VCF-style: chr16-74694873-G-A.
Other names: c.475C>T, p.Arg159Trp (NM_001370534.1, NM_001370535.1, NM_001370536.1); c.-534C>T (NM_001370537.1); c.-157C>T (NM_001370539.1, NM_001370541.1); c.-411C>T (NM_001370542.1); c.-289C>T (NM_001370543.1); c.-317+3649C>T (NM_001370540.1); short protein forms R159W.
Identifiers: ClinVar variation 1973435 (VCV001973435.31), dbSNP rs201075680, ClinGen allele CA8169569.

ClinVar aggregate classification (germline): Uncertain significance. Review status: criteria provided, single submitter (1 of 4 stars). 2 submissions from 2 submitters: Uncertain significance (1). 1 of the submissions does not count toward it. Last evaluated 2022-04-02.

Allele frequency attached by ClinVar (database versions not stated): gnomAD exomes 0.00001; TOPMed 0.00003; ExAC 0.00005; gnomAD 0.00005; 1000 Genomes Project 30x 0.00016; 1000 Genomes Project 0.00020.
gnomAD v4.1: 30 of 1,614,100 alleles (0.0019%); highest among the groups gnomAD compares: East Asian, 0.0067%; no homozygotes.

Submissions (2):

Labcorp Genetics (formerly Invitae), Labcorp
Classification: Uncertain significance. Last evaluated: 2022-04-02. Review status: criteria provided, single submitter. Criteria: Invitae Variant Classification Sherloc (09022015). Collection method: clinical testing. Allele origin: germline.
Comment: In summary, the available evidence is currently insufficient to determine the role of this variant in disease. Therefore, it has been classified as a Variant of Uncertain Significance. Algorithms developed to predict the effect of missense changes on protein structure and function are either unavailable or do not agree on the potential impact of this missense change (SIFT: "Deleterious"; PolyPhen-2: "Possibly Damaging"; Align-GVGD: "Class C0"). This sequence change replaces arginine, which is basic and polar, with tryptophan, which is neutral and slightly polar, at codon 159 of the RFWD3 protein (p.Arg159Trp). This variant is present in population databases (rs201075680, gnomAD 0.005%). This variant has not been reported in the literature in individuals affected with RFWD3-related conditions.

Human Genome and Stem Cell Research Center, Department of Genetics and Evolutionary Biology, Institute of Biosciences, University of São Paulo
Classification: Uncertain significance. Last evaluated: 2023-02-08. Review status: no assertion criteria provided. Collection method: research. Allele origin: de novo. Affected: no. Not counted in ClinVar's aggregate classification.